The following is an entry in ClinVar:

ClinVar aggregate classification (germline): Uncertain significance. Review status: criteria provided, multiple submitters, no conflicts (2 of 4 stars). 2 submissions from 2 submitters: Uncertain significance (2). Last evaluated 2024-11-20.

Conditions:
Hereditary nonpolyposis colorectal neoplasms. Identifiers: MedGen C0009405, MeSH D003123.
Hereditary cancer-predisposing syndrome. Also called: Hereditary neoplastic syndrome; Hereditary Cancer Syndrome; Tumor predisposition; Neoplastic Syndromes, Hereditary. Identifiers: Orphanet 140162, MedGen C0027672, MeSH D009386, MONDO:0015356.

Allele frequency attached by ClinVar (database versions not stated): gnomAD exomes below 0.00001.

Submissions (2):

Ambry Genetics
Classification: Uncertain significance for Hereditary cancer-predisposing syndrome. Last evaluated: 2024-11-20. Review status: criteria provided, single submitter. Criteria: Ambry Variant Classification Scheme 2023. Collection method: clinical testing. Allele origin: germline.
Comment: The p.M136L variant (also known as c.406A>C), located in coding exon 5 of the PMS2 gene, results from an A to C substitution at nucleotide position 406. The methionine at codon 136 is replaced by leucine, an amino acid with highly similar properties. This amino acid position is poorly conserved in available vertebrate species. In addition, this alteration is predicted to be tolerated by in silico analysis. Since supporting evidence is limited at this time, the clinical significance of this alteration remains unclear.

Labcorp Genetics (formerly Invitae), Labcorp
Classification: Uncertain significance for Hereditary nonpolyposis colorectal neoplasms. Last evaluated: 2024-09-12. Review status: criteria provided, single submitter. Criteria: Invitae Variant Classification Sherloc (09022015). Collection method: clinical testing. Allele origin: germline.
Comment: This sequence change replaces methionine, which is neutral and non-polar, with leucine, which is neutral and non-polar, at codon 136 of the PMS2 protein (p.Met136Leu). This variant is not present in population databases (gnomAD no frequency). This variant has not been reported in the literature in individuals affected with PMS2-related conditions. ClinVar contains an entry for this variant (Variation ID: 1518479). Invitae Evidence Modeling of protein sequence and biophysical properties (such as structural, functional, and spatial information, amino acid conservation, physicochemical variation, residue mobility, and thermodynamic stability) indicates that this missense variant is not expected to disrupt PMS2 protein function with a negative predictive value of 80%. In summary, the available evidence is currently insufficient to determine the role of this variant in disease. Therefore, it has been classified as a Variant of Uncertain Significance.

NM_000535.7(PMS2):c.406A>C (p.Met136Leu)

Gene: PMS2 (PMS1 homolog 2, mismatch repair system component; minus strand). Cytogenetic location: 7p22.1.
Variant type: single nucleotide variant.
Coding change: c.406A>C on transcript NM_000535.7 (MANE Select); coding-DNA position 406, A replaced by C.
Protein change: p.Met136Leu; replaces methionine 136 with leucine.
Molecular consequence: missense variant. On other transcripts: initiator codon variant (6), 5 prime UTR variant (2), non-coding transcript variant (1).
Genome position (GRCh38, 1-based): chr7:6,002,584, T>G on the plus strand (A>C on the coding strand, the complement: PMS2 is on the minus strand). VCF-style: chr7-6002584-T-G. GRCh37 (hg19) VCF-style: chr7-6042215-T-G.
Other names: c.1A>C, p.Met1Leu (NM_001322003.2, NM_001322004.2, NM_001322005.2 and 3 more transcripts); c.406A>C, p.Met136Leu (NM_001322006.2, NM_001322014.2); c.88A>C, p.Met30Leu (NM_001322007.2, NM_001322008.2); c.-479A>C (NM_001322011.2, NM_001322012.2); c.97A>C, p.Met33Leu (NM_001322015.2); short protein forms M136L, M30L, M1L, M33L.
Identifiers: ClinVar variation 1518479 (VCV001518479.11), dbSNP rs35690297, ClinGen allele CA366744419.